The following is an entry in ClinVar:

ClinVar aggregate classification (germline): Uncertain significance (1 of 4 stars; one submission).

Submission:

Women's Health and Genetics/Laboratory Corporation of America, LabCorp
Classification: Uncertain significance. Last evaluated: 2025-10-27. Review status: criteria provided, single submitter. Criteria: LabCorp Variant Classification Summary - May 2015. Collection method: clinical testing. Allele origin: germline.
Comment: Variant summary: SPG11 c.4161+2dupT alters a conserved nucleotide located close to a canonical splice site and therefore could affect mRNA splicing, leading to a significantly altered protein sequence. Several computational tools predict a significant impact on normal splicing: Three predict the variant abolishes a 5' splicing donor site. One predict the variant weakens a 5' donor site. However, these predictions have yet to be confirmed by functional studies. The variant was absent in 251470 control chromosomes. The available data on variant occurrences in the general population are insufficient to allow any conclusion about variant significance. To our knowledge, no occurrence of c.4161+2dupT in individuals affected with SPG11-related conditions and no experimental evidence demonstrating its impact on protein function have been reported. No submitters have cited clinical-significance assessments for this variant to ClinVar. Based on the evidence outlined above, the variant was classified as uncertain significance.

NM_025137.4(SPG11):c.4161+2dup

Gene: SPG11 (SPG11 vesicle trafficking associated, spatacsin; minus strand). Cytogenetic location: 15q21.1.
Variant type: Duplication.
Coding change: c.4161+2dup on transcript NM_025137.4 (MANE Select); the canonical splice donor site of the intron after coding-DNA position 4161, one base duplicated (T; older notation c.4161+2dupT).
Molecular consequence: splice donor variant.
Genome position (GRCh38, 1-based): chr15:44,596,782, A duplicated on the plus strand (T on the coding strand, the reverse complement: SPG11 is on the minus strand). VCF-style (leftmost placement, unchanged base first): chr15-44596781-T-TA. GRCh37 (hg19) VCF-style: chr15-44888979-T-TA.
Other names: c.4161+2dupT (NM_025137.4); c.4161+2dup (NM_001411132.1, NM_001160227.2).
Identifiers: ClinVar variation 4687742 (VCV004687742.1).